The following is an entry in ClinVar:

ClinVar aggregate classification (germline): Uncertain significance (1 of 4 stars; one submission).

Conditions:
Hereditary cancer-predisposing syndrome. Also called: Neoplastic Syndromes, Hereditary; Tumor predisposition; Hereditary neoplastic syndrome; Hereditary Cancer Syndrome. Identifiers: Orphanet 140162, MedGen C0027672, MeSH D009386, MONDO:0015356.

Submission:

Color Diagnostics, LLC DBA Color Health
Classification: Uncertain significance for Hereditary cancer-predisposing syndrome. Last evaluated: 2023-12-04. Review status: criteria provided, single submitter. Criteria: ACMG Guidelines, 2015. Collection method: clinical testing. Allele origin: germline.
Comment: This missense variant replaces arginine with leucine at codon 60 of the BAP1 protein. Computational prediction suggests that this variant may not impact protein structure and function (internally defined REVEL score threshold <= 0.5, PMID: 27666373). To our knowledge, functional studies have not been reported for this variant. This variant has not been reported in individuals affected with BAP1-related disorders in the literature. This variant has not been identified in the general population by the Genome Aggregation Database (gnomAD). The available evidence is insufficient to determine the role of this variant in disease conclusively. Therefore, this variant is classified as a Variant of Uncertain Significance.

NM_004656.4(BAP1):c.179G>T (p.Arg60Leu)

Gene: BAP1 (BRCA1 associated deubiquitinase 1; minus strand). Cytogenetic location: 3p21.1.
Variant type: single nucleotide variant.
Coding change: c.179G>T on transcript NM_004656.4 (MANE Select); coding-DNA position 179, G replaced by T.
Protein change: p.Arg60Leu; replaces arginine 60 with leucine.
Molecular consequence: missense variant.
Genome position (GRCh38, 1-based): chr3:52,408,550, C>A on the plus strand (G>T on the coding strand, the complement: BAP1 is on the minus strand). VCF-style: chr3-52408550-C-A. GRCh37 (hg19) VCF-style: chr3-52442566-C-A.
Other names: short protein forms R60L.
Identifiers: ClinVar variation 629823 (VCV000629823.5), dbSNP rs1553646022, ClinGen allele CA353113457.
Genomic context (GRCh38, chr3:52,408,550, plus strand): 5'-ATGTTATTCACAATATCATCATCAATCACGGACGTATCATCCACCAAGGTAGAGACCTTT[C>A]GCCGGGACCGGCGCTCTTCGATCCATTTGAACAGGAAGATAAATCCATATACAGGGCTGG-3'
Protein context (NP_004647.1, residues 50-70): FKWIEERRSR[Arg60Leu]KVSTLVDDTS